The following is an entry in ClinVar:

NM_000478.6(ALPL):c.738G>T (p.Arg246Ser)

Gene: ALPL (alkaline phosphatase, biomineralization associated; plus strand). Cytogenetic location: 1p36.12.
Variant type: single nucleotide variant.
Coding change: c.738G>T on transcript NM_000478.6 (MANE Select); coding-DNA position 738, G replaced by T.
Protein change: p.Arg246Ser; replaces arginine 246 with serine.
Molecular consequence: missense variant.
Genome position (GRCh38, 1-based): chr1:21,568,193, G>T. VCF-style: chr1-21568193-G-T. GRCh37 (hg19) VCF-style: chr1-21894686-G-T.
Other names: c.573G>T, p.Arg191Ser (NM_001127501.4); c.507G>T, p.Arg169Ser (NM_001177520.3); c.738G>T, p.Arg246Ser (NM_001369803.2, NM_001369804.2, NM_001369805.2); short protein forms R169S, R191S, R246S.
Identifiers: ClinVar variation 984475 (VCV000984475.13), dbSNP rs1223142821, ClinGen allele CA338879311.

ClinVar aggregate classification (germline): Pathogenic/Likely pathogenic. Review status: criteria provided, multiple submitters, no conflicts (2 of 4 stars). 7 submissions from 7 submitters: Pathogenic (4); Likely pathogenic (2). 1 of the submissions does not count toward it. Last evaluated 2025-08-29.

Conditions:
Childhood hypophosphatasia. Identifiers: Orphanet 247667, Orphanet 436, MedGen C0220743, MONDO:1010168, OMIM 241510, MONDO:0009428.
Infantile hypophosphatasia. Identifiers: Orphanet 247651, Orphanet 436, MedGen C0268412, MONDO:1010169, OMIM 241500, MONDO:0009427.
Adult hypophosphatasia. Identifiers: Orphanet 247676, Orphanet 436, MedGen C0268413, MONDO:1010154, OMIM 146300, MONDO:0007798.
Hypophosphatasia. Also called: Phosphoethanol-aminuria. Identifiers: Orphanet 436, MedGen C0020630, MeSH D007014, MONDO:0018570.

Allele frequency attached by ClinVar (database versions not stated): gnomAD exomes below 0.00001; TOPMed below 0.00001.
gnomAD v4.1: 7 of 1,614,108 alleles (0.00043%); highest among the groups gnomAD compares: Non-Finnish European, 0.00051%; no homozygotes.

Submissions (7):

Genomenon, Inc
Classification: Pathogenic for Hypophosphatasia. Last evaluated: 2025-08-29. Review status: criteria provided, single submitter. Criteria: Genomenon Sequence Variant Interpretation Standards. Collection method: curation. Allele origin: germline. Affected: yes.
Comment: ALPL c.738G>T is a missense variant that changes the amino acid at residue 246 from Arginine to Serine. This variant has been observed in at least one proband affected with hypophosphatasia (PMID:11855933;10679946). At least one functional study has demonstrated a substantial alteration in protein function relative to the wild-type (PMID:10679946;32160374). This variant has been described as Arg229Ser in the literature. It is absent or not present at a significant frequency in gnomAD. In silico models agree that this variant is possibly or probably damaging. In conclusion, we classify ALPL p.Arg246Ser (c.738G>T) as a pathogenic variant.

Labcorp Genetics (formerly Invitae), Labcorp
Classification: Pathogenic. Last evaluated: 2025-05-21. Review status: criteria provided, single submitter. Criteria: Invitae Variant Classification Sherloc (09022015). Collection method: clinical testing. Allele origin: germline.
Comment: This sequence change replaces arginine, which is basic and polar, with serine, which is neutral and polar, at codon 246 of the ALPL protein (p.Arg246Ser). This variant is present in population databases (no rsID available, gnomAD 0.0009%). This missense change has been observed in individuals with hypophosphatasia (PMID: 10679946, 11855933, 32160374). This variant is also known as R229S. ClinVar contains an entry for this variant (Variation ID: 984475). Invitae Evidence Modeling of protein sequence and biophysical properties (such as structural, functional, and spatial information, amino acid conservation, physicochemical variation, residue mobility, and thermodynamic stability) indicates that this missense variant is expected to disrupt ALPL protein function with a positive predictive value of 95%. Experimental studies have shown that this missense change affects ALPL function (PMID: 10679946, 32160374). For these reasons, this variant has been classified as Pathogenic.

Center for Genomic Medicine, Rigshospitalet, Copenhagen University Hospital
Classification: Pathogenic. Last evaluated: 2025-03-04. Review status: criteria provided, single submitter. Criteria: ACMG Guidelines, 2015. Collection method: clinical testing. Allele origin: germline.

JKU Lab, Dept of Paediatrics, Johannes Kepler University
Classification: Likely pathogenic for Hypophosphatasia. Last evaluated: 2024-08-13. Review status: criteria provided, single submitter. Criteria: ACMG Guidelines, 2015. Collection method: clinical testing. Allele origin: germline. Affected: yes.
Comment: The variant is present in GnomAD, with a reported frequency of 0.0005085% (ƒ = 0.000005085) in the European, non-Finnish population. The ACMG criteria applied can be looked up in the ALPL gene variant database.

Fulgent Genetics
Classification: Likely pathogenic for Adult hypophosphatasia; Infantile hypophosphatasia; Childhood hypophosphatasia. Last evaluated: 2024-04-17. Review status: criteria provided, single submitter. Criteria: ACMG Guidelines, 2015. Collection method: clinical testing. Allele origin: germline.

Women's Health and Genetics/Laboratory Corporation of America, LabCorp
Classification: Pathogenic for Hypophosphatasia. Last evaluated: 2020-10-26. Review status: criteria provided, single submitter. Criteria: LabCorp Variant Classification Summary - May 2015. Collection method: clinical testing. Allele origin: germline.
Comment: Variant summary: ALPL c.738G>T (p.Arg246Ser) results in a non-conservative amino acid change located in the Alkaline-phosphatase-like, core domain superfamily (IPR017850) of the encoded protein sequence. Five of five in-silico tools predict a damaging effect of the variant on protein function. The variant allele was found at a frequency of 4e-06 in 251412 control chromosomes. c.738G>T has been reported in the literature in individuals affected with infantile, perinatal lethal and childhood forms of Hypophosphatasia (example, del Angel_2020, Taillandier_2000). These data indicate that the variant is likely to be associated with disease. At least one publication reports experimental evidence evaluating an impact on protein function. The most pronounced variant effect results in <10% of normal activity (del Angel_2020). No clinical diagnostic laboratories have submitted clinical-significance assessments for this variant to ClinVar after 2014. Based on the evidence outlined above, the variant was classified as pathogenic.

Natera, Inc.
Classification: Pathogenic for Hypophosphatasia. Last evaluated: 2020-12-28. Review status: no assertion criteria provided. Collection method: clinical testing. Allele origin: germline. Not counted in ClinVar's aggregate classification.

Literature cited by the submitters: PubMed 11855933 (cited by 3 submitters); PubMed 10679946 (cited by 5 submitters); PubMed 32160374 (cited by 4 submitters); PubMed 21956185 (cited by JKU Lab, Dept of Paediatrics, Johannes Kepler University).